The following is an entry in ClinVar:

NM_004336.5(BUB1):c.1003C>G (p.Leu335Val)

Gene: BUB1 (BUB1 mitotic checkpoint serine/threonine kinase; minus strand). Cytogenetic location: 2q13.
Variant type: single nucleotide variant.
Coding change: c.1003C>G on transcript NM_004336.5 (MANE Select); coding-DNA position 1003, C replaced by G.
Protein change: p.Leu335Val; replaces leucine 335 with valine.
Molecular consequence: missense variant.
Genome position (GRCh38, 1-based): chr2:110,661,796, G>C on the plus strand (C>G on the coding strand, the complement: BUB1 is on the minus strand). VCF-style: chr2-110661796-G-C. GRCh37 (hg19) VCF-style: chr2-111419373-G-C.
Other names: c.943C>G, p.Leu315Val (NM_001278616.2); c.1003C>G, p.Leu335Val (NM_001278617.2); short protein forms L315V, L335V.
Identifiers: ClinVar variation 1774818 (VCV001774818.2), dbSNP rs1470327132, ClinGen allele CA348214616.

ClinVar aggregate classification (germline): Uncertain significance (1 of 4 stars; one submission).

gnomAD v4.1: 2 of 1,614,178 alleles (0.00012%); highest among the groups gnomAD compares: Non-Finnish European, 0.00017%; no homozygotes.

Submission:

Ambry Genetics
Classification: Uncertain significance. Last evaluated: 2024-02-18. Review status: criteria provided, single submitter. Criteria: Ambry Variant Classification Scheme 2023. Collection method: clinical testing. Allele origin: germline.
Comment: The p.L335V variant (also known as c.1003C>G), located in coding exon 10 of the BUB1 gene, results from a C to G substitution at nucleotide position 1003. The leucine at codon 335 is replaced by valine, an amino acid with highly similar properties. This amino acid position is conserved. In addition, this alteration is predicted to be tolerated by in silico analysis. Since supporting evidence is limited at this time, the clinical significance of this alteration remains unclear.